The following is an entry in ClinVar:

NM_004360.5(CDH1):c.2489T>A (p.Leu830Gln)

Gene: CDH1 (cadherin 1; plus strand). Cytogenetic location: 16q22.1.
Variant type: single nucleotide variant.
Coding change: c.2489T>A on transcript NM_004360.5 (MANE Select); coding-DNA position 2489, T replaced by A.
Protein change: p.Leu830Gln; replaces leucine 830 with glutamine.
Molecular consequence: missense variant.
Genome position (GRCh38, 1-based): chr16:68,833,339, T>A. VCF-style: chr16-68833339-T-A. GRCh37 (hg19) VCF-style: chr16-68867242-T-A.
Other names: c.2306T>A, p.Leu769Gln (NM_001317184.2); c.941T>A, p.Leu314Gln (NM_001317185.2); c.524T>A, p.Leu175Gln (NM_001317186.2); short protein forms L175Q, L314Q, L769Q, L830Q.
Identifiers: ClinVar variation 3372309 (VCV003372309.3).

ClinVar aggregate classification (germline): Uncertain significance. Review status: criteria provided, multiple submitters, no conflicts (2 of 4 stars). 2 submissions from 2 submitters: Uncertain significance (2). Last evaluated 2024-07-20.

Conditions:
Hereditary diffuse gastric adenocarcinoma (HDGC). Also called: DIFFUSE GASTRIC AND LOBULAR BREAST CANCER SYNDROME. Identifiers: Orphanet 26106, MedGen C1708349, MONDO:0007648, OMIM 137215.

Submissions (2):

Labcorp Genetics (formerly Invitae), Labcorp
Classification: Uncertain significance for Hereditary diffuse gastric adenocarcinoma. Last evaluated: 2024-07-20. Review status: criteria provided, single submitter. Criteria: Invitae Variant Classification Sherloc (09022015). Collection method: clinical testing. Allele origin: germline.
Comment: This sequence change replaces leucine, which is neutral and non-polar, with glutamine, which is neutral and polar, at codon 830 of the CDH1 protein (p.Leu830Gln). This variant is not present in population databases (gnomAD no frequency). This variant has not been reported in the literature in individuals affected with CDH1-related conditions. An algorithm developed to predict the effect of missense changes on protein structure and function (PolyPhen-2) suggests that this variant is likely to be disruptive. In summary, the available evidence is currently insufficient to determine the role of this variant in disease. Therefore, it has been classified as a Variant of Uncertain Significance.

GeneDx
Classification: Uncertain significance. Last evaluated: 2024-04-09. Review status: criteria provided, single submitter. Criteria: GeneDx Variant Classification Process June 2021. Collection method: clinical testing. Allele origin: germline. Affected: yes.
Comment: Not observed at significant frequency in large population cohorts (gnomAD); In silico analysis supports that this missense variant has a deleterious effect on protein structure/function; Has not been previously published as pathogenic or benign to our knowledge; This variant is associated with the following publications: (PMID: 15235021, 22850631)